The following is an entry in ClinVar:

NM_001126108.2(SLC12A3):c.2504G>A (p.Trp835Ter)

Gene: SLC12A3 (solute carrier family 12 member 3; plus strand). Cytogenetic location: 16q13.
Variant type: single nucleotide variant.
Coding change: c.2504G>A on transcript NM_001126108.2 (MANE Select); coding-DNA position 2504, G replaced by A.
Protein change: p.Trp835Ter; replaces tryptophan 835 with a stop codon.
Molecular consequence: nonsense.
Genome position (GRCh38, 1-based): chr16:56,893,037, G>A. VCF-style: chr16-56893037-G-A. GRCh37 (hg19) VCF-style: chr16-56926949-G-A.
Other names: c.2531G>A, p.Trp844Ter (NM_000339.3); c.2528G>A, p.Trp843Ter (NM_001126107.2); short protein forms W835*, W843*, W844*.
Identifiers: ClinVar variation 1075403 (VCV001075403.9), dbSNP rs780844229, ClinGen allele CA395996375.

ClinVar aggregate classification (germline): Pathogenic (1 of 4 stars; one submission).

Submission:

Labcorp Genetics (formerly Invitae), Labcorp
Classification: Pathogenic. Last evaluated: 2020-03-07. Review status: criteria provided, single submitter. Criteria: Invitae Variant Classification Sherloc (09022015). Collection method: clinical testing. Allele origin: germline.
Comment: For these reasons, this variant has been classified as Pathogenic. Loss-of-function variants in SLC12A3 are known to be pathogenic (PMID: 20848653, 22009145, 25841442). This variant has been observed in individual(s) with clinical features of Gitelman syndrome (PMID: 22009145). This variant is not present in population databases (ExAC no frequency). This sequence change creates a premature translational stop signal (p.Trp844*) in the SLC12A3 gene. It is expected to result in an absent or disrupted protein product.

Literature cited by the submitters: PubMed 20848653; PubMed 22009145; PubMed 25841442.